The following is an entry in ClinVar:

NM_017999.5(RNF31):c.3066G>A (p.Glu1022=)

Gene: RNF31 (ring finger protein 31; plus strand). Cytogenetic location: 14q12.
Variant type: single nucleotide variant.
Coding change: c.3066G>A on transcript NM_017999.5 (MANE Select); coding-DNA position 3066, G replaced by A.
Protein change: p.Glu1022=; no amino-acid change (glutamic acid 1022 retained).
Molecular consequence: synonymous variant.
Genome position (GRCh38, 1-based): chr14:24,160,308, G>A. VCF-style: chr14-24160308-G-A. GRCh37 (hg19) VCF-style: chr14-24629517-G-A.
Other names: c.2613G>A, p.Glu871= (NM_001310332.2).
Identifiers: ClinVar variation 4873953 (VCV004873953.2).
Genomic context (GRCh38, chr14:24,160,308, plus strand): 5'-CAAAGAGTATCTTGTGAGCCTCATCAATGCCCACTCGCTGGACCCAGCCACCTTGTATGA[G>A]GTGGAAGAGCTGGAGACGGCCACTGAGCGCTACCTGCACGTACGCCCCCAGCCTTTGGCT-3'
Protein context (NP_060469.4, residues 1012-1032): AHSLDPATLY[Glu1022=]VEELETATER

ClinVar aggregate classification (germline): Likely benign (1 of 4 stars; one submission).

gnomAD v4.1: 1 of 1,614,174 alleles (0.000062%); highest among the groups gnomAD compares: African/African-American, 0.0013%; no homozygotes.

Submission:

CeGaT Center for Human Genetics Tuebingen
Classification: Likely benign. Last evaluated: 2026-04-01. Review status: criteria provided, single submitter. Criteria: CeGaT Center For Human Genetics Tuebingen Variant Classification Criteria Version 2. Collection method: clinical testing. Allele origin: germline. Affected: yes. Observed: 1 variant allele.
Comment: RNF31: BP4, BP7